The following is an entry in ClinVar:

NM_001105206.3(LAMA4):c.795C>A (p.Gly265=)

Gene: LAMA4 (laminin subunit alpha 4; minus strand). Cytogenetic location: 6q21.
Variant type: single nucleotide variant.
Coding change: c.795C>A on transcript NM_001105206.3 (MANE Select); coding-DNA position 795, C replaced by A.
Protein change: p.Gly265=; no amino-acid change (glycine 265 retained).
Molecular consequence: synonymous variant. On other transcripts: splice donor variant (2).
Genome position (GRCh38, 1-based): chr6:112,189,129, G>T on the plus strand (C>A on the coding strand, the complement: LAMA4 is on the minus strand). VCF-style: chr6-112189129-G-T. GRCh37 (hg19) VCF-style: chr6-112510331-G-T.
Other names: c.793+2C>A (NM_002290.5, NM_001105207.3).
Identifiers: ClinVar variation 1309341 (VCV001309341.8), dbSNP rs1484189768, ClinGen allele CA365376525.

ClinVar aggregate classification (germline): Uncertain significance. Review status: criteria provided, multiple submitters, no conflicts (2 of 4 stars). 3 submissions from 3 submitters: Uncertain significance (3). Last evaluated 2024-09-04.

Conditions:
Dilated cardiomyopathy 1JJ (CMD1JJ). Identifiers: Orphanet 154, MedGen C3808935, MONDO:0014095, OMIM 615235.
Cardiovascular phenotype. Identifiers: MedGen CN230736.

Allele frequency attached by ClinVar (database versions not stated): TOPMed 0.00002.
gnomAD v4.1: 5 of 1,613,220 alleles (0.00031%); highest among the groups gnomAD compares: African/African-American, 0.0067%; no homozygotes.

Submissions (3):

Labcorp Genetics (formerly Invitae), Labcorp
Classification: Uncertain significance for Dilated cardiomyopathy 1JJ. Last evaluated: 2024-09-04. Review status: criteria provided, single submitter. Criteria: Invitae Variant Classification Sherloc (09022015). Collection method: clinical testing. Allele origin: germline.
Comment: This sequence change falls in intron 7 of the LAMA4 gene. It does not directly change the encoded amino acid sequence of the LAMA4 protein. It affects a nucleotide within the consensus splice site. This variant is not present in population databases (gnomAD no frequency). This variant has not been reported in the literature in individuals affected with LAMA4-related conditions. ClinVar contains an entry for this variant (Variation ID: 1309341). Variants that disrupt the consensus splice site are a relatively common cause of aberrant splicing (PMID: 17576681, 9536098). In summary, the available evidence is currently insufficient to determine the role of this variant in disease. Therefore, it has been classified as a Variant of Uncertain Significance.

Ambry Genetics
Classification: Uncertain significance for Cardiovascular phenotype. Last evaluated: 2024-06-24. Review status: criteria provided, single submitter. Criteria: Ambry Variant Classification Scheme 2023. Collection method: clinical testing. Allele origin: germline.
Comment: The c.793+2C>A intronic variant results from a C to A substitution two nucleotides after coding exon 6 in the LAMA4 gene. This nucleotide position is well conserved in available vertebrate species. In silico splice site analysis for this alteration is inconclusive. Alterations that disrupt the canonical splice site are expected to cause aberrant splicing, resulting in an abnormal protein or a transcript that is subject to nonsense-mediated mRNA decay. However, loss of function of LAMA4 has not been established as a mechanism of disease. The evidence for this gene-disease relationship is limited; therefore, the clinical significance of this alteration is unclear.

GeneDx
Classification: Uncertain significance. Last evaluated: 2019-12-11. Review status: criteria provided, single submitter. Criteria: GeneDx Variant Classification Process June 2021. Collection method: clinical testing. Allele origin: germline. Affected: yes.
Comment: Has not been previously published as pathogenic or benign to our knowledge; Not observed in large population cohorts (Lek et al., 2016); Canonical splice site variant with an unclear effect on protein function

Literature cited by the submitters: PubMed 17576681 (cited by Labcorp Genetics (formerly Invitae), Labcorp); PubMed 9536098 (cited by Labcorp Genetics (formerly Invitae), Labcorp).